The following is an entry in ClinVar:

NM_004385.5(VCAN):c.982T>G (p.Phe328Val)

Gene: VCAN (versican; plus strand). Cytogenetic location: 5q14.3.
Variant type: single nucleotide variant.
Coding change: c.982T>G on transcript NM_004385.5 (MANE Select); coding-DNA position 982, T replaced by G.
Protein change: p.Phe328Val; replaces phenylalanine 328 with valine.
Molecular consequence: missense variant.
Genome position (GRCh38, 1-based): chr5:83,512,336, T>G. VCF-style: chr5-83512336-T-G. GRCh37 (hg19) VCF-style: chr5-82808155-T-G.
Other names: c.982T>G, p.Phe328Val (NM_001126336.3, NM_001164097.2, NM_001164098.2); c.982T>G (NM_004385.4); short protein forms F328V.
Identifiers: ClinVar variation 2968491 (VCV002968491.5), dbSNP rs2479023910, ClinGen allele CA360298321.

ClinVar aggregate classification (germline): Uncertain significance. Review status: criteria provided, multiple submitters, no conflicts (2 of 4 stars). 3 submissions from 3 submitters: Uncertain significance (3). Last evaluated 2025-04-20.

Conditions:
Inborn genetic diseases. Identifiers: MedGen C0950123, MeSH D030342.

Allele frequency attached by ClinVar (database versions not stated): gnomAD exomes 0.00001.
gnomAD v4.1: 11 of 1,610,942 alleles (0.00068%); highest among the groups gnomAD compares: Non-Finnish European, 0.00085%; no homozygotes.

Submissions (3):

Ambry Genetics
Classification: Uncertain significance for Inborn genetic diseases. Last evaluated: 2025-04-20. Review status: criteria provided, single submitter. Criteria: Ambry Variant Classification Scheme 2023. Collection method: clinical testing. Allele origin: germline.

Labcorp Genetics (formerly Invitae), Labcorp
Classification: Uncertain significance. Last evaluated: 2022-12-28. Review status: criteria provided, single submitter. Criteria: Invitae Variant Classification Sherloc (09022015). Collection method: clinical testing. Allele origin: germline.
Comment: In summary, the available evidence is currently insufficient to determine the role of this variant in disease. Therefore, it has been classified as a Variant of Uncertain Significance. Algorithms developed to predict the effect of missense changes on protein structure and function are either unavailable or do not agree on the potential impact of this missense change (SIFT: "Deleterious"; PolyPhen-2: "Probably Damaging"; Align-GVGD: "Class C0"). This variant has not been reported in the literature in individuals affected with VCAN-related conditions. This variant is not present in population databases (gnomAD no frequency). This sequence change replaces phenylalanine, which is neutral and non-polar, with valine, which is neutral and non-polar, at codon 328 of the VCAN protein (p.Phe328Val).

Blueprint Genetics
Classification: Uncertain significance. Last evaluated: 2021-10-27. Review status: criteria provided, single submitter. Criteria: ACMG Guidelines, 2015. Collection method: clinical testing. Allele origin: germline.